The following is an entry in ClinVar:

NC_000016.9:g.(?_29823513)_(29827203_?)del

Gene: PRRT2 (proline rich transmembrane protein 2; plus strand). Cytogenetic location: 16p11.2.
Variant type: Deletion.
Identifiers: ClinVar variation 4847055 (VCV004847055.1).

ClinVar aggregate classification (germline): Pathogenic (1 of 4 stars; one submission).

Conditions:
Episodic kinesigenic dyskinesia 1 (EKD1). Also called: PRRT2-Related Paroxysmal Kinesigenic Dyskinesia (PKD); DYSTONIA, FAMILIAL PAROXYSMAL; PxMD-PRRT2; PAROXYSMAL KINESIGENIC CHOREOATHETOSIS; Dystonia 10. Identifiers: Orphanet 98809, MedGen C4552000, MONDO:0100352, OMIM 128200, MONDO:0007494.

Submission:

Women's Health and Genetics/Laboratory Corporation of America, LabCorp
Classification: Pathogenic for Episodic kinesigenic dyskinesia 1. Last evaluated: 2026-03-20. Review status: criteria provided, single submitter. Criteria: LabCorp Variant Classification Summary - May 2015. Collection method: clinical testing. Allele origin: germline.
Comment: Variant summary: The variant involves the deletion of exons 1-4 in the PRRT2 gene. A presumed nomenclature of c.(?_-197)_(*1244_?)del has been designated for the purposes of this classification. This deletion includes the entire coding sequence of the gene. As the exact proximal and distal breakpoints are unknown, it may extend beyond the annotated region of the gene to include other flanking genes. Loss-of-function variants in this gene are known to be pathogenic. The variant was absent in 20514 control chromosomes. c.(?_-197)_(*1244_?)del has been observed in at least one individual affected with PRRT2-Related Epilepsy (Komar_2025). To our knowledge, no experimental evidence demonstrating an impact on protein function has been reported. The following publication have been ascertained in the context of this evaluation (PMID: 40401013). ClinVar contains an entry for this variant (Variation ID: 468611). Based on the evidence outlined above, the variant was classified as pathogenic.

Literature cited by the submitters: PubMed 40401013.